The following is an entry in ClinVar:

ClinVar aggregate classification (germline): Uncertain significance (1 of 4 stars; one submission).

Conditions:
Hereditary cancer-predisposing syndrome. Also called: Neoplastic Syndromes, Hereditary; Tumor predisposition; Hereditary Cancer Syndrome; Hereditary neoplastic syndrome. Identifiers: Orphanet 140162, MedGen C0027672, MeSH D009386, MONDO:0015356.

gnomAD v4.1: 1 of 1,611,168 alleles (0.000062%); highest among the groups gnomAD compares: Non-Finnish European, 0.000085%; no homozygotes.

Submission:

Ambry Genetics
Classification: Uncertain significance for Hereditary cancer-predisposing syndrome. Last evaluated: 2026-05-12. Review status: criteria provided, single submitter. Criteria: Ambry Variant Classification Scheme 2023. Collection method: clinical testing. Allele origin: germline.
Comment: The p.Y944C variant (also known as c.2831A>G), located in coding exon 20 of the PDGFRA gene, results from an A to G substitution at nucleotide position 2831. The tyrosine at codon 944 is replaced by cysteine, an amino acid with highly dissimilar properties. This amino acid position is not well conserved in available vertebrate species. In addition, the in silico prediction for this alteration is inconclusive. Based on the available evidence, the clinical significance of this variant remains unclear.

NM_006206.6(PDGFRA):c.2831A>G (p.Tyr944Cys)

Gene: PDGFRA (platelet derived growth factor receptor alpha; plus strand). Cytogenetic location: 4q12.
Variant type: single nucleotide variant.
Coding change: c.2831A>G on transcript NM_006206.6 (MANE Select); coding-DNA position 2831, A replaced by G.
Protein change: p.Tyr944Cys; replaces tyrosine 944 with cysteine.
Molecular consequence: missense variant.
Genome position (GRCh38, 1-based): chr4:54,289,065, A>G. VCF-style: chr4-54289065-A-G. GRCh37 (hg19) VCF-style: chr4-55155232-A-G.
Other names: c.2906A>G, p.Tyr969Cys (NM_001347828.2); c.2831A>G, p.Tyr944Cys (NM_001347829.2); c.2870A>G, p.Tyr957Cys (NM_001347830.2); short protein forms Y944C, Y957C, Y969C.
Identifiers: ClinVar variation 4861742 (VCV004861742.1).
Genomic context (GRCh38, chr4:54,289,065, plus strand): 5'-ACAGCTACGAGATCATGGTGAAATGCTGGAACAGTGAGCCGGAGAAGAGACCCTCCTTTT[A>G]CCACCTGAGTGAGATTGTGGAGAATCTGCTGCCTGGACAATATAAAAAGGTGTGTTTGGA-3'
Protein context (NP_006197.1, residues 934-954): NSEPEKRPSF[Tyr944Cys]HLSEIVENLL